The following is an entry in ClinVar:

ClinVar aggregate classification (germline): Conflicting classifications of pathogenicity. Review status: criteria provided, conflicting classifications (1 of 4 stars). 4 submissions from 4 submitters: Uncertain significance (1); Benign (1); Likely benign (2). Last evaluated 2025-12-24.

Conditions:
Primary immunodeficiency with natural-killer cell deficiency and adrenal insufficiency (IMD54). Also called: IMMUNODEFICIENCY 54; Natural killer cell and glucocorticoid deficiency with DNA repair defect. Identifiers: Orphanet 75391, MedGen C1864947, MONDO:0012383, OMIM 609981.

Allele frequency attached by ClinVar (database versions not stated): 1000 Genomes Project 30x 0.00031; 1000 Genomes Project 0.00040; TOPMed 0.00097; ESP Exome Variant Server 0.00100.
gnomAD v4.1: 365 of 1,614,164 alleles (0.023%); highest among the groups gnomAD compares: African/African-American, 0.23%; 1 homozygote.

Submissions (4):

Labcorp Genetics (formerly Invitae), Labcorp
Classification: Benign. Last evaluated: 2025-12-24. Review status: criteria provided, single submitter. Criteria: Invitae Variant Classification Sherloc (09022015). Collection method: clinical testing. Allele origin: germline.

Blueprint Genetics
Classification: Likely benign. Last evaluated: 2024-04-25. Review status: criteria provided, single submitter. Criteria: ACMG Guidelines, 2015. Collection method: clinical testing. Allele origin: germline.

CeGaT Center for Human Genetics Tuebingen
Classification: Likely benign. Last evaluated: 2022-04-01. Review status: criteria provided, single submitter. Criteria: CeGaT Center For Human Genetics Tuebingen Variant Classification Criteria Version 2. Collection method: clinical testing. Allele origin: germline. Affected: yes. Observed: 1 variant allele.
Comment: MCM4: BP4, BP7

Illumina Laboratory Services, Illumina
Classification: Uncertain significance for Primary immunodeficiency with natural-killer cell deficiency and adrenal insufficiency. Last evaluated: 2017-04-27. Review status: criteria provided, single submitter. Criteria: ICSL Variant Classification Criteria 13 December 2019. Collection method: clinical testing. Allele origin: germline.

NM_182746.3(MCM4):c.1578C>T (p.Leu526=)

Gene: MCM4 (minichromosome maintenance complex component 4; plus strand). Cytogenetic location: 8q11.21.
Variant type: single nucleotide variant.
Coding change: c.1578C>T on transcript NM_182746.3 (MANE Select); coding-DNA position 1578, C replaced by T.
Protein change: p.Leu526=; no amino-acid change (leucine 526 retained).
Molecular consequence: synonymous variant.
Genome position (GRCh38, 1-based): chr8:47,970,654, C>T. VCF-style: chr8-47970654-C-T. GRCh37 (hg19) VCF-style: chr8-48883214-C-T.
Other names: c.1578C>T, p.Leu526= (NM_005914.4).
Identifiers: ClinVar variation 773909 (VCV000773909.37), dbSNP rs34157149, ClinGen allele CA4742652.
Genomic context (GRCh38, chr8:47,970,654, plus strand): 5'-CTTGCTGTGTGGCGACCCTGGTACCAGCAAGTCCCAGCTGCTGCAGTACGTGTACAACCT[C>T]GTCCCCAGGGGCCAGTACACGTCTGGGAAGGGCTCCAGTGCAGTTGGCCTCACTGCGTAC-3'
Protein context (NP_877423.1, residues 516-536): KSQLLQYVYN[Leu526=]VPRGQYTSGK